The following is an entry in ClinVar:

NM_005732.4(RAD50):c.556A>G (p.Ile186Val)

Gene: RAD50 (RAD50 double strand break repair protein; plus strand). Cytogenetic location: 5q31.1.
Variant type: single nucleotide variant.
Coding change: c.556A>G on transcript NM_005732.4 (MANE Select); coding-DNA position 556, A replaced by G.
Protein change: p.Ile186Val; replaces isoleucine 186 with valine.
Molecular consequence: missense variant.
Genome position (GRCh38, 1-based): chr5:132,579,866, A>G. VCF-style: chr5-132579866-A-G. GRCh37 (hg19) VCF-style: chr5-131915558-A-G.
Other names: short protein forms I186V.
Identifiers: ClinVar variation 1026588 (VCV001026588.9), dbSNP rs777863000, ClinGen allele CA360935394.
Genomic context (GRCh38, chr5:132,579,866, plus strand): 5'-ATATATACCATAATTTACTTTGCCAGAAATTTGATTTTTGTTTCATATCTTCAAAGATAC[A>G]TTAAAGCCTTAGAAACACTTCGGCAGGTACGTCAGACACAAGGTCAGAAAGTAAAAGAAT-3'
Protein context (NP_005723.2, residues 176-196): FDEIFSATRY[Ile186Val]KALETLRQVR

ClinVar aggregate classification (germline): Uncertain significance (1 of 4 stars; one submission).

Conditions:
Hereditary cancer-predisposing syndrome. Also called: Neoplastic Syndromes, Hereditary; Tumor predisposition; Hereditary Cancer Syndrome; Hereditary neoplastic syndrome. Identifiers: Orphanet 140162, MedGen C0027672, MeSH D009386, MONDO:0015356.

Submission:

Labcorp Genetics (formerly Invitae), Labcorp
Classification: Uncertain significance for Hereditary cancer-predisposing syndrome. Last evaluated: 2022-05-27. Review status: criteria provided, single submitter. Criteria: Invitae Variant Classification Sherloc (09022015). Collection method: clinical testing. Allele origin: germline.
Comment: In summary, the available evidence is currently insufficient to determine the role of this variant in disease. Therefore, it has been classified as a Variant of Uncertain Significance. Algorithms developed to predict the effect of missense changes on protein structure and function are either unavailable or do not agree on the potential impact of this missense change (SIFT: "Tolerated"; PolyPhen-2: "Possibly Damaging"; Align-GVGD: "Class C0"). This sequence change replaces isoleucine, which is neutral and non-polar, with valine, which is neutral and non-polar, at codon 186 of the RAD50 protein (p.Ile186Val). This variant is not present in population databases (gnomAD no frequency). This variant has not been reported in the literature in individuals affected with RAD50-related conditions. ClinVar contains an entry for this variant (Variation ID: 1026588).